The following is an entry in ClinVar:

NM_006922.4(SCN3A):c.4640C>T (p.Thr1547Met)

Gene: SCN3A (sodium voltage-gated channel alpha subunit 3; minus strand). Cytogenetic location: 2q24.3.
Variant type: single nucleotide variant.
Coding change: c.4640C>T on transcript NM_006922.4 (MANE Select); coding-DNA position 4640, C replaced by T.
Protein change: p.Thr1547Met; replaces threonine 1547 with methionine.
Molecular consequence: missense variant.
Genome position (GRCh38, 1-based): chr2:165,092,421, G>A on the plus strand (C>T on the coding strand, the complement: SCN3A is on the minus strand). VCF-style: chr2-165092421-G-A. GRCh37 (hg19) VCF-style: chr2-165948931-G-A.
Other names: c.4493C>T, p.Thr1498Met (NM_001081676.2, NM_001081677.2); short protein forms T1547M, T1498M.
Identifiers: ClinVar variation 934871 (VCV000934871.10), dbSNP rs762536754, ClinGen allele CA1938529.

ClinVar aggregate classification (germline): Uncertain significance. Review status: criteria provided, multiple submitters, no conflicts (2 of 4 stars). 3 submissions from 2 submitters: Uncertain significance (3). Last evaluated 2025-11-29.

Conditions:
Developmental and epileptic encephalopathy, 62. Also called: Early infantile epileptic encephalopathy 62. Identifiers: MedGen C4693699, MONDO:0033371, OMIM 617938.
Epilepsy, familial focal, with variable foci 4 (FFEVF4). Identifiers: MedGen C4693694, MONDO:0054776, OMIM 617935.

Allele frequency attached by ClinVar (database versions not stated): ExAC 0.00001; gnomAD 0.00001; gnomAD exomes 0.00001 and 0.00002; TOPMed 0.00002.
gnomAD v4.1: 9 of 1,613,814 alleles (0.00056%); highest among the groups gnomAD compares: South Asian, 0.0022%; no homozygotes.

Submissions (3):

Labcorp Genetics (formerly Invitae), Labcorp
Classification: Uncertain significance. Last evaluated: 2025-11-29. Review status: criteria provided, single submitter. Criteria: Invitae Variant Classification Sherloc (09022015). Collection method: clinical testing. Allele origin: germline.
Comment: This sequence change replaces threonine, which is neutral and polar, with methionine, which is neutral and non-polar, at codon 1547 of the SCN3A protein (p.Thr1547Met). This variant is present in population databases (rs762536754, gnomAD 0.003%). This variant has not been reported in the literature in individuals affected with SCN3A-related conditions. ClinVar contains an entry for this variant (Variation ID: 934871). Invitae Evidence Modeling of protein sequence and biophysical properties (such as structural, functional, and spatial information, amino acid conservation, physicochemical variation, residue mobility, and thermodynamic stability) has been performed for this missense variant. However, the output from this modeling did not meet the statistical confidence thresholds required to predict the impact of this variant on SCN3A protein function. In summary, the available evidence is currently insufficient to determine the role of this variant in disease. Therefore, it has been classified as a Variant of Uncertain Significance.

New York Genome Center
Classification: Uncertain significance for Developmental and epileptic encephalopathy, 62. Last evaluated: 2019-10-11. Review status: criteria provided, single submitter. Criteria: NYGC Assertion Criteria 2020. Collection method: clinical testing. Allele origin: maternal. Inheritance: Autosomal dominant inheritance. Observed: 1 heterozygote. Study: CSER-NYCKidSeq. Segregation with disease not observed.
Comment: The inherited heterozygous p.Thr1547Met variant identified in the SCN3A gene has not been reported in the medical literature. It has 0.000016 allele frequency in the gnomAD database (4 out of 251,196 heterozygous alleles) indicating it is an extremely rare allele in the general population. The variant affects an evolutionary conserved residue and is predicted deleterious by a variety of in silico prediction tools. Given the lack of compelling evidence for its pathogenicity, the p.Thr1547Met variant in the SCN3A gene is assessed as a variant of uncertain significance.

New York Genome Center
Classification: Uncertain significance for Epilepsy, familial focal, with variable foci 4. Last evaluated: 2019-10-11. Review status: criteria provided, single submitter. Criteria: NYGC Assertion Criteria 2020. Collection method: clinical testing. Allele origin: maternal. Inheritance: Autosomal dominant inheritance. Observed: 1 heterozygote. Study: CSER-NYCKidSeq. Segregation with disease not observed.
Comment: the same text as in the submission from New York Genome Center above.